The following is an entry in ClinVar:

NM_001367721.1(CASK):c.55G>C (p.Gly19Arg)

Gene: CASK (calcium/calmodulin dependent serine protein kinase; minus strand). Cytogenetic location: Xp11.4.
Variant type: single nucleotide variant.
Coding change: c.55G>C on transcript NM_001367721.1 (MANE Select); coding-DNA position 55, G replaced by C.
Protein change: p.Gly19Arg; replaces glycine 19 with arginine.
Molecular consequence: missense variant.
Genome position (GRCh38, 1-based): chrX:41,922,934, C>G on the plus strand (G>C on the coding strand, the complement: CASK is on the minus strand). VCF-style: chrX-41922934-C-G. GRCh37 (hg19) VCF-style: chrX-41782187-C-G.
Other names: c.55G>C, p.Gly19Arg (NM_001126054.3, NM_001126055.3, NM_001410745.1 and 1 more transcripts); short protein forms G19R.
Identifiers: ClinVar variation 2133395 (VCV002133395.6), dbSNP rs727503840, ClinGen allele CA413001806.
Genomic context (GRCh38, chrX:41,922,934, plus strand): 5'-GGGGCATCACTGAAATGCATTTTTCCACACTCCCGCTCCCTCGCGTGGAGACTCACTTTC[C>G]GATCACCTCGCACAGCTCGTACACATCCTCGAACAGCACGTCGTCGTCGGCCATGGTCCG-3'
Protein context (NP_001354650.1, residues 9-29): EDVYELCEVI[Gly19Arg]KGPFSVVRRC

ClinVar aggregate classification (germline): Uncertain significance. Review status: criteria provided, multiple submitters, no conflicts (2 of 4 stars). 2 submissions from 2 submitters: Uncertain significance (2). Last evaluated 2026-09-05.

Conditions:
Intellectual disability, CASK-related, X-linked. Identifiers: MedGen CN043158.

Submissions (2):

GeneDx
Classification: Uncertain significance. Last evaluated: 2026-09-05. Review status: criteria provided, single submitter. Criteria: GeneDx Variant Classification Process June 2021. Collection method: clinical testing. Allele origin: germline.
Comment: Not observed at significant frequency in large population cohorts (gnomAD); In silico analysis supports that this missense variant has a deleterious effect on protein structure/function; Has not been previously published as pathogenic or benign to our knowledge

Labcorp Genetics (formerly Invitae), Labcorp
Classification: Uncertain significance for Intellectual disability, CASK-related, X-linked. Last evaluated: 2024-10-16. Review status: criteria provided, single submitter. Criteria: Invitae Variant Classification Sherloc (09022015). Collection method: clinical testing. Allele origin: germline.
Comment: This sequence change replaces glycine, which is neutral and non-polar, with arginine, which is basic and polar, at codon 19 of the CASK protein (p.Gly19Arg). This variant is not present in population databases (gnomAD no frequency). This variant has not been reported in the literature in individuals affected with CASK-related conditions. ClinVar contains an entry for this variant (Variation ID: 2133395). Invitae Evidence Modeling of protein sequence and biophysical properties (such as structural, functional, and spatial information, amino acid conservation, physicochemical variation, residue mobility, and thermodynamic stability) indicates that this missense variant is not expected to disrupt CASK protein function with a negative predictive value of 80%. In summary, the available evidence is currently insufficient to determine the role of this variant in disease. Therefore, it has been classified as a Variant of Uncertain Significance.